The following is an entry in ClinVar:

ClinVar aggregate classification (germline): Uncertain significance (1 of 4 stars; one submission).

gnomAD v4.1: 3 of 1,613,390 alleles (0.00019%); highest among the groups gnomAD compares: Non-Finnish European, 0.00025%; no homozygotes.

Submission:

Ambry Genetics
Classification: Uncertain significance. Last evaluated: 2025-06-08. Review status: criteria provided, single submitter. Criteria: Ambry Variant Classification Scheme 2023. Collection method: clinical testing. Allele origin: germline.
Comment: The p.L345P variant (also known as c.1034T>C), located in coding exon 7 of the ATRIP gene, results from a T to C substitution at nucleotide position 1034. The leucine at codon 345 is replaced by proline, an amino acid with similar properties. This amino acid position is conserved. In addition, the in silico prediction for this alteration is inconclusive. Based on the available evidence, the clinical significance of this variant remains unclear.

NM_130384.3(ATRIP):c.1034T>C (p.Leu345Pro)

Genes: ATRIP (ATR interacting protein; plus strand), ATRIP-TREX1 (ATRIP-TREX1 readthrough; plus strand). Cytogenetic location: 3p21.31.
Variant type: single nucleotide variant.
Coding change: c.1034T>C on transcript NM_130384.3 (MANE Select); coding-DNA position 1034, T replaced by C.
Protein change: p.Leu345Pro; replaces leucine 345 with proline.
Molecular consequence: missense variant. On other transcripts: non-coding transcript variant (1).
Genome position (GRCh38, 1-based): chr3:48,459,895, T>C. VCF-style: chr3-48459895-T-C. GRCh37 (hg19) VCF-style: chr3-48501294-T-C.
Other names: c.653T>C, p.Leu218Pro (NM_001271022.2); c.755T>C, p.Leu252Pro (NM_001271023.2); c.1034T>C, p.Leu345Pro (NM_032166.4); short protein forms L218P, L345P, L252P.
Identifiers: ClinVar variation 3977105 (VCV003977105.1).